The following is an entry in ClinVar:

ClinVar aggregate classification (germline): Likely benign. Review status: criteria provided, multiple submitters, no conflicts (2 of 4 stars). 2 submissions from 2 submitters: Likely benign (2). Last evaluated 2025-10-11.

Allele frequency attached by ClinVar (database versions not stated): ExAC 0.00002; gnomAD exomes 0.00001.
gnomAD v4.1: 3 of 1,592,758 alleles (0.00019%); highest among the groups gnomAD compares: Admixed American, 0.0057%; no homozygotes.

Submissions (2):

Labcorp Genetics (formerly Invitae), Labcorp
Classification: Likely benign. Last evaluated: 2025-10-11. Review status: criteria provided, single submitter. Criteria: Invitae Variant Classification Sherloc (09022015). Collection method: clinical testing. Allele origin: germline.

GeneDx
Classification: Likely benign. Last evaluated: 2022-08-16. Review status: criteria provided, single submitter. Criteria: GeneDx Variant Classification Process June 2021. Collection method: clinical testing. Allele origin: germline. Affected: yes.
Comment: In silico analysis supports that this missense variant does not alter protein structure/function; Has not been previously published as pathogenic or benign to our knowledge

NM_006766.5(KAT6A):c.1885G>A (p.Val629Ile)

Gene: KAT6A (lysine acetyltransferase 6A; minus strand). Cytogenetic location: 8p11.21.
Variant type: single nucleotide variant.
Coding change: c.1885G>A on transcript NM_006766.5 (MANE Select); coding-DNA position 1885, G replaced by A.
Protein change: p.Val629Ile; replaces valine 629 with isoleucine.
Molecular consequence: missense variant.
Genome position (GRCh38, 1-based): chr8:41,947,768, C>T on the plus strand (G>A on the coding strand, the complement: KAT6A is on the minus strand). VCF-style: chr8-41947768-C-T. GRCh37 (hg19) VCF-style: chr8-41805286-C-T.
Other names: c.1885G>A, p.Val629Ile (NM_001305878.2); short protein forms V629I.
Identifiers: ClinVar variation 2429666 (VCV002429666.4), dbSNP rs753016148, ClinGen allele CA4730029.
Genomic context (GRCh38, chr8:41,947,768, plus strand): 5'-ATTTCTATATGAGTTCAAACAAACTTTAAGCTGACATACTTACCTTAGAAAAGTAGCCAA[C>T]AAGGTGGCAGCCCTTGACATCATTCTGTGTTAGTACATAAAAAAGAAATGGCTCCACATC-3'
Protein context (NP_006757.2, residues 619-639): TQNDVKGCHL[Val629Ile]GYFSKEKHCQ